The following is an entry in ClinVar:

ClinVar aggregate classification (germline): Uncertain significance (1 of 4 stars; one submission).

Allele frequency attached by ClinVar (database versions not stated): gnomAD exomes below 0.00001; ExAC 0.00001; gnomAD 0.00001; TOPMed 0.00001.
gnomAD v4.1: 3 of 1,611,468 alleles (0.00019%); highest among the groups gnomAD compares: African/African-American, 0.0013%; no homozygotes.

Submission:

Labcorp Genetics (formerly Invitae), Labcorp
Classification: Uncertain significance. Last evaluated: 2023-11-27. Review status: criteria provided, single submitter. Criteria: Invitae Variant Classification Sherloc (09022015). Collection method: clinical testing. Allele origin: germline.
Comment: This sequence change replaces leucine, which is neutral and non-polar, with phenylalanine, which is neutral and non-polar, at codon 537 of the CSF1R protein (p.Leu537Phe). The frequency data for this variant in the population databases is considered unreliable, as metrics indicate poor data quality at this position in the gnomAD database. This variant has not been reported in the literature in individuals affected with CSF1R-related conditions. Advanced modeling of protein sequence and biophysical properties (such as structural, functional, and spatial information, amino acid conservation, physicochemical variation, residue mobility, and thermodynamic stability) performed at Invitae indicates that this missense variant is not expected to disrupt CSF1R protein function with a negative predictive value of 95%. In summary, the available evidence is currently insufficient to determine the role of this variant in disease. Therefore, it has been classified as a Variant of Uncertain Significance.

NM_001288705.3(CSF1R):c.1611G>T (p.Leu537Phe)

Gene: CSF1R (colony stimulating factor 1 receptor; minus strand). Cytogenetic location: 5q32.
Variant type: single nucleotide variant.
Coding change: c.1611G>T on transcript NM_001288705.3 (MANE Select); coding-DNA position 1611, G replaced by T.
Protein change: p.Leu537Phe; replaces leucine 537 with phenylalanine.
Molecular consequence: missense variant. On other transcripts: non-coding transcript variant (2).
Genome position (GRCh38, 1-based): chr5:150,068,230, C>A on the plus strand (G>T on the coding strand, the complement: CSF1R is on the minus strand). VCF-style: chr5-150068230-C-A. GRCh37 (hg19) VCF-style: chr5-149447793-C-A.
Other names: c.1611G>T, p.Leu537Phe (NM_001349736.2, NM_001375320.1, NM_005211.4); c.1167G>T, p.Leu389Phe (NM_001375321.1); short protein forms L389F, L537F.
Identifiers: ClinVar variation 2873826 (VCV002873826.3), dbSNP rs775963737, ClinGen allele CA3506771.